The following is an entry in ClinVar:

NM_024809.5(TCTN2):c.1877T>A (p.Leu626Ter)

Gene: TCTN2 (tectonic family member 2; plus strand). Cytogenetic location: 12q24.31.
Variant type: single nucleotide variant.
Coding change: c.1877T>A on transcript NM_024809.5 (MANE Select); coding-DNA position 1877, T replaced by A.
Protein change: p.Leu626Ter; replaces leucine 626 with a stop codon.
Molecular consequence: nonsense.
Genome position (GRCh38, 1-based): chr12:123,706,833, T>A. VCF-style: chr12-123706833-T-A. GRCh37 (hg19) VCF-style: chr12-124191380-T-A.
Other names: c.1874T>A, p.Leu625Ter (NM_001143850.3); short protein forms L626*, L625*.
Identifiers: ClinVar variation 189247 (VCV000189247.4), dbSNP rs786204788, ClinGen allele CA199170.

ClinVar aggregate classification (germline): Pathogenic (1 of 4 stars; one submission).

Conditions:
Joubert syndrome. Also called: CEREBELLOPARENCHYMAL DISORDER IV; JOUBERT-BOLTSHAUSER SYNDROME; Familial aplasia of the vermis. Identifiers: Orphanet 475, MedGen C5979921, MONDO:0018772.

Submission:

Laboratory for Molecular Medicine, Mass General Brigham Personalized Medicine
Classification: Pathogenic for Joubert syndrome. Last evaluated: 2014-01-20. Review status: criteria provided, single submitter. Criteria: LMM Criteria. Collection method: clinical testing. Allele origin: germline. Inheritance: Autosomal recessive inheritance. Observed: 1 variant allele. Study: CSER-MedSeq.
Comment: The Leu626X variant in TCTN2 has not been previously identified in individuals with Joubert syndrome or in large population studies. However, this nonsense variant leads to a premature termination codon at position 626, which is predicted to lead to a truncated or absent protein. Loss-of-function variants in the TCTN2 gene, including another nonsense variant in this exon, have been previously reported in individuals with autosomal recessive ciliopathies including Joubert syndrome (Sang 2011) and Meckel-Gruber syndrome (Shaheen 2011). In summary, this variant meets our criteria to be classified as pathogenic.